The following is an entry in ClinVar:

ClinVar aggregate classification (germline): Pathogenic. Review status: criteria provided, multiple submitters, no conflicts (2 of 4 stars). 7 submissions from 7 submitters: Pathogenic (5). 2 of the submissions do not count toward it. Last evaluated 2025-08-06.

Conditions:
THRB-related disorder. Also called: THRB-related condition.
Thyroid hormone resistance, generalized, autosomal recessive (GRTHR). Also called: REFETOFF SYNDROME. Identifiers: MedGen C3489796, MONDO:0010131, OMIM 274300.
Thyroid hormone resistance, generalized, autosomal dominant (GRTHD). Also called: HYPERTHYROXINEMIA, FAMILIAL EUTHYROID, SECONDARY TO PITUITARY AND PERIPHERAL RESISTANCE TO THYROID HORMONES. Identifiers: MedGen C2937288, MONDO:0008569, OMIM 188570.
Selective pituitary resistance to thyroid hormone. Also called: HYPERTHYROIDISM, FAMILIAL, DUE TO INAPPROPRIATE THYROTROPIN SECRETION. Identifiers: MedGen C1840364, MONDO:0007784, OMIM 145650.

Allele frequency attached by ClinVar (database versions not stated): gnomAD exomes below 0.00001.
gnomAD v4.1: 1 of 1,614,138 alleles (0.000062%); highest among the groups gnomAD compares: Non-Finnish European, 0.000085%; no homozygotes.

Submissions (7):

PreventionGenetics, part of Exact Sciences
Classification: Pathogenic for THRB-related condition. Last evaluated: 2025-08-06. Review status: criteria provided, single submitter. Criteria: ACMG Guidelines, 2015. Collection method: clinical testing. Allele origin: germline.
Comment: The THRB c.728G>A variant is predicted to result in the amino acid substitution p.Arg243Gln. This variant has been reported in the heterozygous state in patients with autosomal dominant resistance to thyroid hormone (see, for example, Yagi et al. 1997. PubMed ID: 9141558; Lado Abeal et al. 2011. PubMed ID: 21703645; Macchia et al. 2014. PubMed ID: 25040256). This variant has not been reported in a large population database, indicating this variant is rare. This variant is interpreted as pathogenic.

3billion
Classification: Pathogenic for Thyroid hormone resistance, generalized, autosomal dominant. Last evaluated: 2024-12-31. Review status: criteria provided, single submitter. Criteria: ACMG Guidelines, 2015. Collection method: clinical testing. Allele origin: germline. Affected: yes.
Comment: The variant is observed at an extremely low frequency in the gnomAD v4.1.0 dataset (total allele frequency: <0.001%). Predicted Consequence/Location: Missense variant. Missense changes are a common disease-causing mechanism. Functional studies provide moderate evidence of the variant having a damaging effect on the gene or gene product (PMID: 9141558). In silico tool predictions suggest damaging effect of the variant on gene or gene product [REVEL: 0.73 (>=0.6, sensitivity 0.68 and specificity 0.92); 3Cnet: 1.00 (>=0.6, sensitivity 0.72 and precision 0.9)]. The same nucleotide change resulting in the same amino acid change has been previously reported as pathogenic/likely pathogenic with strong evidence (ClinVar ID: VCV000012566 /PMID: 9141558). A different missense change at the same codon (p.Arg243Trp) has been reported as pathogenic/likely pathogenic with strong evidence (ClinVar ID: VCV000012567 /PMID: 8664910). Therefore, this variant is classified as Pathogenic according to the recommendation of ACMG/AMP guideline.

Women's Health and Genetics/Laboratory Corporation of America, LabCorp
Classification: Pathogenic for Thyroid hormone resistance, generalized, autosomal dominant. Last evaluated: 2022-05-01. Review status: criteria provided, single submitter. Criteria: LabCorp Variant Classification Summary - May 2015. Collection method: clinical testing. Allele origin: germline.
Comment: Variant summary: THRB c.728G>A (p.Arg243Gln) results in a conservative amino acid change located in the Nuclear hormone receptor, ligand-binding domain (IPR000536) of the encoded protein sequence. Three of five in-silico tools predict a damaging effect of the variant on protein function. The variant was absent in 250376 control chromosomes. c.728G>A has been reported in the literature in multiple individuals affected with Generalized Autosomal Dominant Thyroid Hormone Resistance, (example, Chaves_2021). These data indicate that the variant is very likely to be associated with disease. At least one publication reports experimental evidence evaluating an impact on protein function (example, Yagi_1997). The most pronounced variant effect results in 16% of normal T3-dependent transactivation activity. This suggests that the receptor DNA-binding domain can modulate the function of the hormone-binding domain via allosteric mechanisms. One clinical diagnostic laboratory has submitted clinical-significance assessments for this variant to ClinVar after 2014 without evidence for independent evaluation and classified the variant as pathogenic. Based on the evidence outlined above, the variant was classified as pathogenic.

Fulgent Genetics
Classification: Pathogenic for Selective pituitary resistance to thyroid hormone; Thyroid hormone resistance, generalized, autosomal dominant; Thyroid hormone resistance, generalized, autosomal recessive. Last evaluated: 2021-12-23. Review status: criteria provided, single submitter. Criteria: ACMG Guidelines, 2015. Collection method: clinical testing. Allele origin: unknown.

Quest Diagnostics Nichols Institute San Juan Capistrano
Classification: Pathogenic. Last evaluated: 2017-11-14. Review status: criteria provided, single submitter. Criteria: Quest Diagnostics criteria. Collection method: clinical testing. Allele origin: germline.

Clinical Molecular Genetics Laboratory, Johns Hopkins All Children's Hospital
Classification: Pathogenic for Thyroid hormone resistance, generalized, autosomal dominant. Last evaluated: 2012-01-03. Review status: no assertion criteria provided. Collection method: clinical testing. Allele origin: germline. Affected: yes. Not counted in ClinVar's aggregate classification.

OMIM
Classification: Pathogenic for THYROID HORMONE RESISTANCE, GENERALIZED, AUTOSOMAL DOMINANT. Last evaluated: 1997-05-01. Review status: no assertion criteria provided. Collection method: literature only. Allele origin: germline. Not counted in ClinVar's aggregate classification.

Literature cited by the submitters: PubMed 8664910 (cited by 3billion); PubMed 9141558 (cited by 3 submitters); PubMed 33353459 (cited by Women's Health and Genetics/Laboratory Corporation of America, LabCorp); PubMed 8563471 (cited by OMIM).

NM_001354712.2(THRB):c.728G>A (p.Arg243Gln)

Genes: THRB (thyroid hormone receptor beta; minus strand), LOC126806630 (CDK7 strongly-dependent group 2 enhancer GRCh37_chr3:24184437-24185636; plus strand). Cytogenetic location: 3p24.2.
Variant type: single nucleotide variant.
Coding change: c.728G>A on transcript NM_001354712.2 (MANE Select); coding-DNA position 728, G replaced by A.
Protein change: p.Arg243Gln; replaces arginine 243 with glutamine.
Molecular consequence: missense variant.
Genome position (GRCh38, 1-based): chr3:24,143,511, C>T on the plus strand (G>A on the coding strand, the complement: THRB is on the minus strand). VCF-style: chr3-24143511-C-T. GRCh37 (hg19) VCF-style: chr3-24185002-C-T.
Other names: c.728G>A, p.Arg243Gln (NM_000461.5, NM_001128176.3, NM_001128177.2 and 6 more transcripts); c.635G>A, p.Arg212Gln (NM_001354714.2, NM_001354715.2); short protein forms R243Q, R212Q.
Identifiers: ClinVar variation 12566 (VCV000012566.10), dbSNP rs121918706, ClinGen allele CA122509.